The following is an entry in ClinVar:

NM_032387.5(WNK4):c.2258G>A (p.Gly753Asp)

Gene: WNK4 (WNK lysine deficient protein kinase 4; plus strand). Cytogenetic location: 17q21.2.
Variant type: single nucleotide variant.
Coding change: c.2258G>A on transcript NM_032387.5 (MANE Select); coding-DNA position 2258, G replaced by A.
Protein change: p.Gly753Asp; replaces glycine 753 with aspartic acid.
Molecular consequence: missense variant.
Genome position (GRCh38, 1-based): chr17:42,793,692, G>A. VCF-style: chr17-42793692-G-A. GRCh37 (hg19) VCF-style: chr17-40945710-G-A.
Other names: c.1250G>A, p.Gly417Asp (NM_001321299.2); short protein forms G417D, G753D.
Identifiers: ClinVar variation 1710718 (VCV001710718.2), dbSNP rs2544027575, ClinGen allele CA399661399.

ClinVar aggregate classification (germline): Uncertain significance (1 of 4 stars; one submission).

Allele frequency attached by ClinVar (database versions not stated): gnomAD exomes 0.00001.
gnomAD v4.1: 5 of 1,614,078 alleles (0.00031%); highest among the groups gnomAD compares: Non-Finnish European, 0.00042%; no homozygotes.

Submission:

GeneDx
Classification: Uncertain significance. Last evaluated: 2022-04-08. Review status: criteria provided, single submitter. Criteria: GeneDx Variant Classification Process June 2021. Collection method: clinical testing. Allele origin: germline. Affected: yes.
Comment: Has not been previously published as pathogenic or benign to our knowledge; Not observed at significant frequency in large population cohorts (gnomAD); In silico analysis supports that this missense variant does not alter protein structure/function